The following is an entry in ClinVar:

ClinVar aggregate classification (germline): Uncertain significance (1 of 4 stars; one submission).

Submission:

GeneDx
Classification: Uncertain significance. Last evaluated: 2023-12-28. Review status: criteria provided, single submitter. Criteria: GeneDx Variant Classification Process June 2021. Collection method: clinical testing. Allele origin: germline. Affected: yes.
Comment: Not observed at significant frequency in large population cohorts (gnomAD); In silico analysis supports that this missense variant does not alter protein structure/function; Has not been previously published as pathogenic or benign to our knowledge.

NM_004183.4(BEST1):c.749C>T (p.Thr250Ile)

Gene: BEST1 (bestrophin 1; plus strand). Cytogenetic location: 11q12.3.
Variant type: single nucleotide variant.
Coding change: c.749C>T on transcript NM_004183.4 (MANE Select); coding-DNA position 749, C replaced by T.
Protein change: p.Thr250Ile; replaces threonine 250 with isoleucine.
Molecular consequence: missense variant. On other transcripts: non-coding transcript variant (1).
Genome position (GRCh38, 1-based): chr11:61,958,180, C>T. VCF-style: chr11-61958180-C-T. GRCh37 (hg19) VCF-style: chr11-61725652-C-T.
Other names: c.569C>T, p.Thr190Ile (NM_001139443.3, NM_001300786.2, NM_001300787.2); c.431C>T, p.Thr144Ile (NM_001363591.3); c.749C>T, p.Thr250Ile (NM_001363592.2); c.-427C>T (NM_001363593.3); short protein forms T144I, T190I, T250I.
Identifiers: ClinVar variation 3370178 (VCV003370178.1).